The following is an entry in ClinVar:

NM_001024845.3(SLC6A9):c.1862G>A (p.Gly621Asp)

Gene: SLC6A9 (solute carrier family 6 member 9; minus strand). Cytogenetic location: 1p34.1.
Variant type: single nucleotide variant.
Coding change: c.1862G>A on transcript NM_001024845.3 (MANE Select); coding-DNA position 1862, G replaced by A.
Protein change: p.Gly621Asp; replaces glycine 621 with aspartic acid.
Molecular consequence: missense variant. On other transcripts: non-coding transcript variant (1).
Genome position (GRCh38, 1-based): chr1:43,997,585, C>T on the plus strand (G>A on the coding strand, the complement: SLC6A9 is on the minus strand). VCF-style: chr1-43997585-C-T. GRCh37 (hg19) VCF-style: chr1-44463257-C-T.
Other names: c.1874G>A, p.Gly625Asp (NM_001261380.2); c.1529G>A, p.Gly510Asp (NM_001328626.2); c.1799G>A, p.Gly600Asp (NM_001328627.1); c.1667G>A, p.Gly556Asp (NM_001328628.1); c.1862G>A, p.Gly621Asp (NM_001328629.1); c.1358G>A, p.Gly453Asp (NM_001328630.2); c.1919G>A, p.Gly640Asp (NM_006934.4); c.2081G>A, p.Gly694Asp (NM_201649.4); and 1 more; short protein forms G625D, G640D, G510D, G556D, G600D, G453D, G621D, G694D.
Identifiers: ClinVar variation 2159637 (VCV002159637.2), dbSNP rs759939457, ClinGen allele CA817330.

ClinVar aggregate classification (germline): Uncertain significance. Review status: criteria provided, multiple submitters, no conflicts (2 of 4 stars). 2 submissions from 2 submitters: Uncertain significance (2). Last evaluated 2022-06-27.

Conditions:
Atypical glycine encephalopathy. Also called: Glycine encephalopathy with normal serum glycine. Identifiers: Orphanet 289863, MedGen C4310943, MONDO:0015010, OMIM 617301.
Inborn genetic diseases. Identifiers: MedGen C0950123, MeSH D030342.

Allele frequency attached by ClinVar (database versions not stated): gnomAD exomes 0.00001; ExAC 0.00003; gnomAD 0.00009; TOPMed 0.00013.
gnomAD v4.1: 31 of 1,613,692 alleles (0.0019%); highest among the groups gnomAD compares: African/African-American, 0.032%; no homozygotes.

Submissions (2):

Ambry Genetics
Classification: Uncertain significance for Inborn genetic diseases. Last evaluated: 2022-06-27. Review status: criteria provided, single submitter. Criteria: Ambry Variant Classification Scheme 2023. Collection method: clinical testing. Allele origin: germline.

Labcorp Genetics (formerly Invitae), Labcorp
Classification: Uncertain significance for Atypical glycine encephalopathy. Last evaluated: 2022-04-29. Review status: criteria provided, single submitter. Criteria: Invitae Variant Classification Sherloc (09022015). Collection method: clinical testing. Allele origin: germline.
Comment: This sequence change replaces glycine, which is neutral and non-polar, with aspartic acid, which is acidic and polar, at codon 694 of the SLC6A9 protein (p.Gly694Asp). This variant is present in population databases (rs759939457, gnomAD 0.03%). This variant has not been reported in the literature in individuals affected with SLC6A9-related conditions. Algorithms developed to predict the effect of missense changes on protein structure and function (SIFT, PolyPhen-2, Align-GVGD) all suggest that this variant is likely to be disruptive. In summary, the available evidence is currently insufficient to determine the role of this variant in disease. Therefore, it has been classified as a Variant of Uncertain Significance.